The following is an entry in ClinVar:

NM_000078.3(CETP):c.165del (p.Ser56fs)

Gene: CETP (cholesteryl ester transfer protein; plus strand). Cytogenetic location: 16q13.
Variant type: Deletion.
Coding change: c.165del on transcript NM_000078.3 (MANE Select); coding-DNA position 165, one base deleted (C; older notation c.165delC).
Protein change: p.Ser56fs; shifts the reading frame from serine 56.
Molecular consequence: frameshift variant.
Genome position (GRCh38, 1-based): chr16:56,963,056, C deleted; the last of 2 consecutive C bases (chr16:56,963,055-56,963,056); deleting either gives the same sequence. VCF-style (leftmost placement, unchanged base first): chr16-56963054-GC-G. GRCh37 (hg19) VCF-style: chr16-56996966-GC-G.
Other names: c.165del, p.Ser56fs (NM_001286085.2); short protein forms S56fs.
Identifiers: ClinVar variation 1675625 (VCV001675625.33), dbSNP rs753876598, ClinGen allele CA8070810.

ClinVar aggregate classification (germline): Pathogenic (1 of 4 stars; one submission).

Submission:

CeGaT Center for Human Genetics Tuebingen
Classification: Pathogenic. Last evaluated: 2025-07-01. Review status: criteria provided, single submitter. Criteria: CeGaT Center For Human Genetics Tuebingen Variant Classification Criteria Version 2. Collection method: clinical testing. Allele origin: germline. Affected: yes. Observed: 2 variant alleles.
Comment: CETP: PVS1, PM2, PS4:Supporting